The following is an entry in ClinVar:

ClinVar aggregate classification (germline): Likely pathogenic (1 of 4 stars; one submission).

Submission:

GeneDx
Classification: Likely pathogenic. Last evaluated: 2026-09-23. Review status: criteria provided, single submitter. Criteria: GeneDx Variant Classification Process June 2021. Collection method: clinical testing. Allele origin: germline.
Comment: Frameshift variant predicted to result in protein truncation or nonsense mediated decay in a gene for which loss of function is a known mechanism of disease; Not observed at significant frequency in large population cohorts (gnomAD); Has not been previously published as pathogenic or benign to our knowledge

NM_052867.4(NALCN):c.3243dup (p.Pro1082fs)

Gene: NALCN (sodium leak channel, non-selective; minus strand). Cytogenetic location: 13q32.3.
Variant type: Duplication.
Coding change: c.3243dup on transcript NM_052867.4 (MANE Select); coding-DNA position 3243, one base duplicated (A; older notation c.3243dupA).
Protein change: p.Pro1082fs; shifts the reading frame from proline 1082.
Molecular consequence: frameshift variant.
Genome position (GRCh38, 1-based): chr13:101,095,600, T duplicated on the plus strand (A on the coding strand, the reverse complement: NALCN is on the minus strand); the first of 6 consecutive T bases (chr13:101,095,600-101,095,605); duplicating any one gives the same sequence. VCF-style (leftmost placement, unchanged base first): chr13-101095599-G-GT. GRCh37 (hg19) VCF-style: chr13-101747950-G-GT.
Other names: c.3330dup, p.Pro1111fs (NM_001350748.2); c.3243dup, p.Pro1082fs (NM_001350749.2); c.3156dup, p.Pro1053fs (NM_001350750.2, NM_001350751.2); short protein forms P1053fs, P1082fs, P1111fs.
Identifiers: ClinVar variation 1325945 (VCV001325945.5), dbSNP rs1370586538, ClinGen allele CA611948479.
Genomic context (GRCh38, chr13:101,095,599, plus strand): 5'-CCATTCTTCAGAATATTTTTTTATGATATACTTACCAAACACGGGGCACCCAAAATCCAG[G>GT]TTTTTTCTCTCCAGGCCTCAATTTTAAATTTAAGTTCTTTGACACACTGACATTAATTCT-3'